The following is an entry in ClinVar:

NM_000080.4(CHRNE):c.1305A>G (p.Arg435=)

Gene: CHRNE (cholinergic receptor nicotinic epsilon subunit; minus strand). Cytogenetic location: 17p13.2.
Variant type: single nucleotide variant.
Coding change: c.1305A>G on transcript NM_000080.4 (MANE Select); coding-DNA position 1305, A replaced by G.
Protein change: p.Arg435=; no amino-acid change (arginine 435 retained).
Molecular consequence: synonymous variant.
Genome position (GRCh38, 1-based): chr17:4,899,022, T>C on the plus strand (A>G on the coding strand, the complement: CHRNE is on the minus strand). VCF-style: chr17-4899022-T-C. GRCh37 (hg19) VCF-style: chr17-4802317-T-C.
Other names: p.Arg435=; c.1305A>G, p.Arg435= (LRG_1254t1).
Identifiers: ClinVar variation 128763 (VCV000128763.23), dbSNP rs55681486, ClinGen allele CA152409.

ClinVar aggregate classification (germline): Benign. Review status: criteria provided, multiple submitters, no conflicts (2 of 4 stars). 10 submissions from 10 submitters: Benign (9). 1 of the submissions does not count toward it. Last evaluated 2026-02-04.

Conditions:
Congenital myasthenic syndrome (CMS). Also called: Congenital Myasthenic Syndromes. Identifiers: Orphanet 590, MedGen C0751882, MeSH D020294, MONDO:0018940.
Congenital myasthenic syndrome 4A. Also called: Myasthenic syndrome, congenital, 4a, slow-channel; CONGENITAL MYASTHENIC SYNDROME TYPE Ia1; MYASTHENIC SYNDROME, CONGENITAL, 4A, SLOW-CHANNEL, AUTOSOMAL RECESSIVE. Identifiers: Orphanet 590, MedGen C4225413, MONDO:0011600, OMIM 605809.

Allele frequency attached by ClinVar (database versions not stated): 1000 Genomes Project 30x 0.05059; 1000 Genomes Project 0.05152; TOPMed 0.06344; ESP Exome Variant Server 0.06660; gnomAD 0.07325 and 0.07419; gnomAD exomes 0.07493 and 0.08610; ExAC 0.11032.
gnomAD v4.1: 135,822 of 1,607,470 alleles (8.4%); highest among the groups gnomAD compares: Non-Finnish European, 9.2%; 6,198 homozygotes.

Submissions (10):

Labcorp Genetics (formerly Invitae), Labcorp
Classification: Benign for Congenital myasthenic syndrome 4A. Last evaluated: 2026-02-04. Review status: criteria provided, single submitter. Criteria: Invitae Variant Classification Sherloc (09022015). Collection method: clinical testing. Allele origin: germline.

Women's Health and Genetics/Laboratory Corporation of America, LabCorp
Classification: Benign. Last evaluated: 2025-06-23. Review status: criteria provided, single submitter. Criteria: LabCorp Variant Classification Summary - May 2015. Collection method: clinical testing. Allele origin: germline.

Blueprint Genetics
Classification: Benign. Last evaluated: 2024-11-28. Review status: criteria provided, single submitter. Criteria: ACMG Guidelines, 2015. Collection method: clinical testing. Allele origin: germline.

Illumina Laboratory Services, Illumina
Classification: Benign for Congenital myasthenic syndrome. Last evaluated: 2018-01-12. Review status: criteria provided, single submitter. Criteria: ICSL Variant Classification Criteria 13 December 2019. Collection method: clinical testing. Allele origin: germline.
Comment: This variant was observed in the ICSL laboratory as part of a predisposition screen in an ostensibly healthy population. It had not been previously curated by ICSL or reported in the Human Gene Mutation Database (HGMD: prior to June 1st, 2018), and was therefore a candidate for classification through an automated scoring system. Utilizing variant allele frequency, disease prevalence and penetrance estimates, and inheritance mode, an automated score was calculated to assess if this variant is too frequent to cause the disease. Based on the score and internal cut-off values, a variant classified as benign is not then subjected to further curation. The score for this variant resulted in a classification of benign for this disease.

Mayo Clinic Laboratories, Mayo Clinic
Classification: Benign. Last evaluated: 2017-08-25. Review status: criteria provided, single submitter. Criteria: ACMG Guidelines, 2015. Collection method: clinical testing. Allele origin: germline. Observed: 56 variant alleles.

GeneDx
Classification: Benign. Last evaluated: 2016-07-29. Review status: criteria provided, single submitter. Criteria: GeneDx Variant Classification (06012015). Collection method: clinical testing. Allele origin: germline. Affected: yes.
Comment: This variant is considered likely benign or benign based on one or more of the following criteria: it is a conservative change, it occurs at a poorly conserved position in the protein, it is predicted to be benign by multiple in silico algorithms, and/or has population frequency not consistent with disease.

Genetic Services Laboratory, University of Chicago
Classification: Benign for AllHighlyPenetrant. Last evaluated: 2013-08-15. Review status: criteria provided, single submitter. Criteria: ACMG Guidelines, 2007. Collection method: clinical testing. Allele origin: germline.

Breakthrough Genomics
Classification: Benign. Review status: criteria provided, single submitter. Criteria: ACMG Guidelines, 2015. Collection method: not provided. Allele origin: germline. Inheritance: Autosomal recessive inheritance. Affected: yes.

PreventionGenetics, part of Exact Sciences
Classification: Benign. Review status: criteria provided, single submitter. Criteria: ACMG Guidelines, 2015. Collection method: clinical testing. Allele origin: germline.

Natera, Inc.
Classification: Benign for Congenital myasthenic syndrome. Last evaluated: 2020-09-16. Review status: no assertion criteria provided. Collection method: clinical testing. Allele origin: germline. Not counted in ClinVar's aggregate classification.